The following is an entry in ClinVar:

NM_000051.4(ATM):c.6615G>A (p.Trp2205Ter)

Genes: C11orf65 (chromosome 11 open reading frame 65; minus strand), ATM (ATM serine/threonine kinase; plus strand). Cytogenetic location: 11q22.3.
Variant type: single nucleotide variant.
Coding change: c.6615G>A on transcript NM_000051.4 (MANE Select); coding-DNA position 6615, G replaced by A.
Protein change: p.Trp2205Ter; replaces tryptophan 2205 with a stop codon.
Molecular consequence: nonsense. On other transcripts: intron variant (2).
Genome position (GRCh38, 1-based): chr11:108,325,352, G>A. VCF-style: chr11-108325352-G-A. GRCh37 (hg19) VCF-style: chr11-108196079-G-A.
Other names: c.6615G>A, p.Trp2205Ter (NM_001351834.2); c.641-16281C>T (NM_001330368.2); c.*38+9868C>T (NM_001351110.2); short protein forms W2205*.
Identifiers: ClinVar variation 490667 (VCV000490667.12), dbSNP rs1555119041, ClinGen allele CA382554733.

ClinVar aggregate classification (germline): Pathogenic. Review status: criteria provided, multiple submitters, no conflicts (2 of 4 stars). 4 submissions from 4 submitters: Pathogenic (4). Last evaluated 2026-01-12.

Conditions:
Familial cancer of breast. Also called: Hereditary breast cancer; BREAST CANCER, FAMILIAL; hereditary breast carcinoma. Identifiers: Orphanet 227535, MedGen C0346153, MONDO:0016419, OMIM 114480. Disease mechanism: loss of function.
Ataxia-telangiectasia syndrome (AT). Also called: LOUIS-BAR SYNDROME; Cerebello-oculocutaneous telangiectasia; Immunodeficiency with ataxia telangiectasia; Ataxia-telangiectasia, complementation group D; AT, COMPLEMENTATION GROUP C; Ataxia-telangiectasia, complementation group E. Identifiers: Orphanet 100, MedGen C0004135, MONDO:0008840, OMIM 208900.
Hereditary cancer-predisposing syndrome. Also called: Neoplastic Syndromes, Hereditary; Hereditary Cancer Syndrome; Tumor predisposition; Hereditary neoplastic syndrome. Identifiers: Orphanet 140162, MedGen C0027672, MeSH D009386, MONDO:0015356.

Allele frequency attached by ClinVar (database versions not stated): gnomAD exomes below 0.00001.
gnomAD v4.1: 1 of 1,612,050 alleles (0.000062%); highest among the groups gnomAD compares: Non-Finnish European, 0.000085%; no homozygotes.

Submissions (4):

Labcorp Genetics (formerly Invitae), Labcorp
Classification: Pathogenic for Ataxia-telangiectasia syndrome. Last evaluated: 2026-01-12. Review status: criteria provided, single submitter. Criteria: Invitae Variant Classification Sherloc (09022015). Collection method: clinical testing. Allele origin: germline.
Comment: This sequence change creates a premature translational stop signal (p.Trp2205*) in the ATM gene. It is expected to result in an absent or disrupted protein product. Loss-of-function variants in ATM are known to be pathogenic (PMID: 23807571, 25614872). This variant is not present in population databases (gnomAD no frequency). This variant has not been reported in the literature in individuals affected with ATM-related conditions. ClinVar contains an entry for this variant (Variation ID: 490667). For these reasons, this variant has been classified as Pathogenic.

Myriad Genetics, Inc.
Classification: Pathogenic for Familial cancer of breast. Last evaluated: 2024-01-30. Review status: criteria provided, single submitter. Criteria: Myriad Autosomal Dominant, Autosomal Recessive and X-Linked Classification Criteria (2023). Collection method: clinical testing. Allele origin: unknown.
Comment: This variant is considered pathogenic. This variant creates a termination codon and is predicted to result in premature protein truncation.

Color Diagnostics, LLC DBA Color Health
Classification: Pathogenic for Hereditary cancer-predisposing syndrome. Last evaluated: 2020-02-26. Review status: criteria provided, single submitter. Criteria: ACMG Guidelines, 2015. Collection method: clinical testing. Allele origin: germline.
Comment: This variant changes 1 nucleotide in exon 46 of the ATM gene, creating a premature translation stop signal. This variant is expected to result in an absent or non-functional protein product. To our knowledge, this variant has not been reported in individuals affected with hereditary cancer in the literature. This variant has not been identified in the general population by the Genome Aggregation Database (gnomAD). Loss of ATM function is a known mechanism of disease. Based on the available evidence, this variant is classified as Pathogenic.

Fulgent Genetics
Classification: Pathogenic for Familial cancer of breast; Ataxia-telangiectasia syndrome. Last evaluated: 2018-10-31. Review status: criteria provided, single submitter. Criteria: ACMG Guidelines, 2015. Collection method: clinical testing. Allele origin: unknown.

Literature cited by the submitters: PubMed 23807571 (cited by Labcorp Genetics (formerly Invitae), Labcorp); PubMed 25614872 (cited by Labcorp Genetics (formerly Invitae), Labcorp).